The following is an entry in ClinVar:

ClinVar aggregate classification (germline): Uncertain significance. Review status: criteria provided, multiple submitters, no conflicts (2 of 4 stars). 6 submissions from 6 submitters: Uncertain significance (5). 1 of the submissions does not count toward it. Last evaluated 2025-11-22.

Conditions:
Hereditary nonpolyposis colorectal neoplasms. Identifiers: MedGen C0009405, MeSH D003123.
Hereditary cancer-predisposing syndrome. Also called: Neoplastic Syndromes, Hereditary; Tumor predisposition; Hereditary Cancer Syndrome; Hereditary neoplastic syndrome. Identifiers: Orphanet 140162, MedGen C0027672, MeSH D009386, MONDO:0015356.
Lynch syndrome 4 (LYNCH4). Also called: Colorectal cancer, hereditary nonpolyposis, type 4; Hereditary non-polyposis colorectal cancer, type 4. Identifiers: Orphanet 144, MedGen C1838333, MONDO:0013699, OMIM 614337. Disease mechanism: loss of function.

gnomAD v4.1: 27 of 1,610,488 alleles (0.0017%); highest among the groups gnomAD compares: Non-Finnish European, 0.0022%; no homozygotes.

Submissions (6):

Ambry Genetics
Classification: Uncertain significance for Hereditary cancer-predisposing syndrome. Last evaluated: 2025-11-22. Review status: criteria provided, single submitter. Criteria: Ambry Variant Classification Scheme 2023. Collection method: clinical testing. Allele origin: germline.
Comment: The p.D119Y variant (also known as c.355G>T), located in coding exon 5 of the PMS2 gene, results from a G to T substitution at nucleotide position 355. The aspartic acid at codon 119 is replaced by tyrosine, an amino acid with highly dissimilar properties. This variant was observed in an individual with early onset-breast cancer amongst a cohort of 1781 non-Ashkenazi Jewish individuals undergoing BRCA1/2 gene testing based on a personal history of breast cancer (Tung N et al. Cancer, 2015 Jan;121:25-33). This amino acid position is well conserved in available vertebrate species. In addition, the in silico prediction for this alteration is inconclusive. Since supporting evidence is limited at this time, the clinical significance of this alteration remains unclear.

Baylor Genetics
Classification: Uncertain significance for Lynch syndrome 4. Last evaluated: 2023-09-08. Review status: criteria provided, single submitter. Criteria: ACMG Guidelines, 2015. Collection method: clinical testing. Allele origin: unknown.

Myriad Genetics, Inc.
Classification: Uncertain significance for Lynch syndrome 4. Last evaluated: 2023-04-04. Review status: criteria provided, single submitter. Criteria: Myriad Autosomal Dominant, Autosomal Recessive and X-Linked Classification Criteria (2023). Collection method: clinical testing. Allele origin: unknown.
Comment: This variant is classified as a variant of uncertain significance as there is insufficient evidence to determine its impact on protein function and/or cancer risk.

Labcorp Genetics (formerly Invitae), Labcorp
Classification: Uncertain significance for Hereditary nonpolyposis colorectal neoplasms. Last evaluated: 2022-10-25. Review status: criteria provided, single submitter. Criteria: Invitae Variant Classification Sherloc (09022015). Collection method: clinical testing. Allele origin: germline.
Comment: ClinVar contains an entry for this variant (Variation ID: 141655). This sequence change replaces aspartic acid, which is acidic and polar, with tyrosine, which is neutral and polar, at codon 119 of the PMS2 protein (p.Asp119Tyr). This variant is present in population databases (rs587781913, gnomAD 0.003%). This missense change has been observed in individual(s) with breast cancer (PMID: 25186627). Algorithms developed to predict the effect of missense changes on protein structure and function (SIFT, PolyPhen-2, Align-GVGD) all suggest that this variant is likely to be disruptive. RNA analysis performed to evaluate the impact of this missense change on mRNA splicing indicates it does not significantly alter splicing (Invitae). In summary, the available evidence is currently insufficient to determine the role of this variant in disease. Therefore, it has been classified as a Variant of Uncertain Significance.

GeneDx
Classification: Uncertain significance. Last evaluated: 2016-03-10. Review status: criteria provided, single submitter. Criteria: GeneDx Variant Classification (06012015). Collection method: clinical testing. Allele origin: germline. Affected: yes.
Comment: This variant is denoted PMS2 c.355G>T at the cDNA level, p.Asp119Tyr (D119Y) at the protein level, and results in the change of an Aspartic Acid to a Tyrosine (GAT>TAT). This variant has not, to our knowledge, been published in the literature as pathogenic or benign. PMS2 Asp119Tyr was not observed in approximately 6,500 individuals of European and African American ancestry in the NHLBI Exome Sequencing Project, suggesting it is not a common benign variant in these populations. Since Aspartic Acid and Tyrosine differ in polarity, charge, size or other properties, this is considered a non-conservative amino acid substitution. PMS2 Asp119Tyr occurs at a position that is conserved in mammals and is located within the ATPase domain (Guarne 2001, Fukui 2011). In silico analyses predict that this variant is probably damaging to protein structure and function. Based on currently available evidence, it is unclear whether PMS2 Asp119Tyr is a pathogenic or benign variant. We consider it to be a variant of uncertain significance.

Counsyl
Classification: Uncertain significance for Lynch syndrome 4. Last evaluated: 2016-09-27. Review status: no assertion criteria provided. Collection method: clinical testing. Allele origin: unknown. Not counted in ClinVar's aggregate classification.

Literature cited by the submitters: PubMed 25186627 (cited by 3 submitters).

NM_000535.7(PMS2):c.355G>T (p.Asp119Tyr)

Gene: PMS2 (PMS1 homolog 2, mismatch repair system component; minus strand). Cytogenetic location: 7p22.1.
Variant type: single nucleotide variant.
Coding change: c.355G>T on transcript NM_000535.7 (MANE Select); coding-DNA position 355, G replaced by T.
Protein change: p.Asp119Tyr; replaces aspartic acid 119 with tyrosine.
Molecular consequence: missense variant. On other transcripts: 5 prime UTR variant (8), non-coding transcript variant (1).
Genome position (GRCh38, 1-based): chr7:6,002,635, C>A on the plus strand (G>T on the coding strand, the complement: PMS2 is on the minus strand). VCF-style: chr7-6002635-C-A. GRCh37 (hg19) VCF-style: chr7-6042266-C-A.
Other names: c.-51G>T (NM_001322003.2, NM_001322004.2, NM_001322005.2 and 3 more transcripts); c.355G>T, p.Asp119Tyr (NM_001322006.2, NM_001322014.2); c.37G>T, p.Asp13Tyr (NM_001322007.2, NM_001322008.2); c.-530G>T (NM_001322011.2, NM_001322012.2); c.46G>T, p.Asp16Tyr (NM_001322015.2); short protein forms D119Y, D16Y, D13Y.
Identifiers: ClinVar variation 141655 (VCV000141655.21), dbSNP rs587781913, ClinGen allele CA011987.